The following is an entry in ClinVar:

NM_000458.4(HNF1B):c.1312C>T (p.Leu438Phe)

Gene: HNF1B (HNF1 homeobox B; minus strand). Cytogenetic location: 17q12.
Variant type: single nucleotide variant.
Coding change: c.1312C>T on transcript NM_000458.4 (MANE Select); coding-DNA position 1312, C replaced by T.
Protein change: p.Leu438Phe; replaces leucine 438 with phenylalanine.
Molecular consequence: missense variant.
Genome position (GRCh38, 1-based): chr17:37,704,944, G>A on the plus strand (C>T on the coding strand, the complement: HNF1B is on the minus strand). VCF-style: chr17-37704944-G-A. GRCh37 (hg19) VCF-style: chr17-36064951-G-A.
Other names: c.1234C>T, p.Leu412Phe (NM_001165923.4, NM_001304286.2); c.1312C>T, p.Leu438Phe (NM_001411100.1); short protein forms L412F, L438F.
Identifiers: ClinVar variation 3342300 (VCV003342300.1).
Genomic context (GRCh38, chr17:37,704,944, plus strand): 5'-CCCCCAAGTTTTCCAACCAAGAATAGAACTTACTTTGTGCAATTGCCATGACTCCAGAGA[G>A]GGGTGTCATGATGAGGTTTTGAGATTGCTGGGGATTATGGTGGGAGAGGCTGTGGATATT-3'
Protein context (NP_000449.1, residues 428-448): QQSQNLIMTP[Leu438Phe]SGVMAIAQSL

ClinVar aggregate classification (germline): Uncertain significance (1 of 4 stars; one submission).

Conditions:
Renal cysts and diabetes syndrome (RCAD). Also called: MATURITY-ONSET DIABETES OF THE YOUNG, TYPE 5; Familial hypoplastic, glomerulocystic kidney. Identifiers: Orphanet 93111, MedGen C0431693, MONDO:0007669, OMIM 137920.

gnomAD v4.1: 2 of 1,614,088 alleles (0.00012%); highest among the groups gnomAD compares: South Asian, 0.0011%; no homozygotes.

Submission:

MVZ Medizinische Genetik Mainz
Classification: Uncertain significance for Renal cysts and diabetes syndrome. Last evaluated: 2024-08-19. Review status: criteria provided, single submitter. Criteria: UK Practice Guidelines For Variant Classification V4 01 2020. Collection method: clinical testing. Allele origin: germline. Inheritance: Autosomal dominant inheritance. Affected: yes. Observed: 1 variant allele.
Comment: ACMG Criteria: PP3_MOD,PM2_SUP